The following is an entry in ClinVar:

ClinVar aggregate classification (germline): Conflicting classifications of pathogenicity. Review status: criteria provided, conflicting classifications (1 of 4 stars). 2 submissions from 2 submitters: Uncertain significance (1); Likely benign (1). Last evaluated 2025-02-10.

Conditions:
Progressive sclerosing poliodystrophy (MTDPS4A). Also called: Alpers-Huttenlocher Syndrome; ALPERS PROGRESSIVE INFANTILE POLIODYSTROPHY; Alpers Syndrome; NEURONAL DEGENERATION OF CHILDHOOD WITH LIVER DISEASE, PROGRESSIVE; ALPERS DIFFUSE DEGENERATION OF CEREBRAL GRAY MATTER WITH HEPATIC CIRRHOSIS; Mitochondrial DNA Depletion Syndrome 4A. Identifiers: Orphanet 726, MedGen C0205710, MONDO:0008758, OMIM 203700.

Allele frequency attached by ClinVar (database versions not stated): gnomAD exomes below 0.00001; gnomAD 0.00001 and 0.00002; TOPMed 0.00001.

Submissions (2):

Labcorp Genetics (formerly Invitae), Labcorp
Classification: Uncertain significance for Progressive sclerosing poliodystrophy. Last evaluated: 2025-02-10. Review status: criteria provided, single submitter. Criteria: Invitae Variant Classification Sherloc (09022015). Collection method: clinical testing. Allele origin: germline.
Comment: This sequence change replaces glutamine, which is neutral and polar, with arginine, which is basic and polar, at codon 975 of the POLG protein (p.Gln975Arg). This variant is not present in population databases (gnomAD no frequency). This missense change has been observed in individual(s) with clinical features of autosomal dominant progressive external ophthalmoplegia (internal data). ClinVar contains an entry for this variant (Variation ID: 643054). Invitae Evidence Modeling of protein sequence and biophysical properties (such as structural, functional, and spatial information, amino acid conservation, physicochemical variation, residue mobility, and thermodynamic stability) indicates that this missense variant is not expected to disrupt POLG protein function with a negative predictive value of 95%. In summary, the available evidence is currently insufficient to determine the role of this variant in disease. Therefore, it has been classified as a Variant of Uncertain Significance.

Blueprint Genetics
Classification: Likely benign. Last evaluated: 2023-09-15. Review status: criteria provided, single submitter. Criteria: ACMG Guidelines, 2015. Collection method: clinical testing. Allele origin: germline.

NM_002693.3(POLG):c.2924A>G (p.Gln975Arg)

Gene: POLG (DNA polymerase gamma, catalytic subunit; minus strand). Cytogenetic location: 15q26.1.
Variant type: single nucleotide variant.
Coding change: c.2924A>G on transcript NM_002693.3 (MANE Select); coding-DNA position 2924, A replaced by G.
Protein change: p.Gln975Arg; replaces glutamine 975 with arginine.
Molecular consequence: missense variant.
Genome position (GRCh38, 1-based): chr15:89,320,823, T>C on the plus strand (A>G on the coding strand, the complement: POLG is on the minus strand). VCF-style: chr15-89320823-T-C. GRCh37 (hg19) VCF-style: chr15-89864054-T-C.
Other names: c.2924A>G, p.Gln975Arg (NM_001126131.2); short protein forms Q975R.
Identifiers: ClinVar variation 643054 (VCV000643054.8), dbSNP rs972611793, ClinGen allele CA274545915.